The following is an entry in ClinVar:

NM_001385449.1(RTL9):c.623T>C (p.Met208Thr)

Gene: RTL9 (retrotransposon Gag like 9; plus strand). Cytogenetic location: Xq23.
Variant type: single nucleotide variant.
Coding change: c.623T>C on transcript NM_001385449.1 (MANE Select); coding-DNA position 623, T replaced by C.
Protein change: p.Met208Thr; replaces methionine 208 with threonine.
Molecular consequence: missense variant.
Genome position (GRCh38, 1-based): chrX:110,451,240, T>C. VCF-style: chrX-110451240-T-C. GRCh37 (hg19) VCF-style: chrX-109694468-T-C.
Other names: c.623T>C, p.Met208Thr (NM_020769.2); short protein forms M208T.
Identifiers: ClinVar variation 2661194 (VCV002661194.25), dbSNP rs144726953, ClinGen allele CA10491811.

ClinVar aggregate classification (germline): Conflicting classifications of pathogenicity. Review status: criteria provided, conflicting classifications (1 of 4 stars). 2 submissions from 2 submitters: Uncertain significance (1); Likely benign (1). Last evaluated 2023-02-01.

Allele frequency attached by ClinVar (database versions not stated): ESP Exome Variant Server 0.00028; ExAC 0.00032; gnomAD 0.00041; TOPMed 0.00048.
gnomAD v4.1: 245 of 1,210,143 alleles (0.02%); highest among the groups gnomAD compares: Middle Eastern, 0.39%; no homozygotes.

Submissions (2):

CeGaT Center for Human Genetics Tuebingen
Classification: Likely benign. Last evaluated: 2023-02-01. Review status: criteria provided, single submitter. Criteria: CeGaT Center For Human Genetics Tuebingen Variant Classification Criteria Version 2. Collection method: clinical testing. Allele origin: germline. Affected: yes. Observed: 2 variant alleles.
Comment: RTL9: BP4, BS2

Ambry Genetics
Classification: Uncertain significance. Last evaluated: 2021-09-27. Review status: criteria provided, single submitter. Criteria: Ambry Variant Classification Scheme 2023. Collection method: clinical testing. Allele origin: germline.